The following is an entry in ClinVar:

NM_020066.5(FMN2):c.1244C>T (p.Thr415Ile)

Gene: FMN2 (formin 2; plus strand). Cytogenetic location: 1q43.
Variant type: single nucleotide variant.
Coding change: c.1244C>T on transcript NM_020066.5 (MANE Select); coding-DNA position 1244, C replaced by T.
Protein change: p.Thr415Ile; replaces threonine 415 with isoleucine.
Molecular consequence: missense variant.
Genome position (GRCh38, 1-based): chr1:240,093,353, C>T. VCF-style: chr1-240093353-C-T. GRCh37 (hg19) VCF-style: chr1-240256653-C-T.
Other names: c.1244C>T, p.Thr415Ile (NM_001305424.2, NM_001348094.2); short protein forms T415I.
Identifiers: ClinVar variation 1033513 (VCV001033513.3), dbSNP rs200347646, ClinGen allele CA345431356.

ClinVar aggregate classification (germline): Uncertain significance. Review status: criteria provided, multiple submitters, no conflicts (2 of 4 stars). 2 submissions from 2 submitters: Uncertain significance (2). Last evaluated 2023-07-11.

Conditions:
Intellectual developmental disorder, autosomal recessive 47. Also called: Intellectual disability, autosomal recessive 47. Identifiers: Orphanet 88616, MedGen C4015444, MONDO:0014524, OMIM 616193.
Inborn genetic diseases. Identifiers: MedGen C0950123, MeSH D030342.

gnomAD v4.1: 4 of 1,613,032 alleles (0.00025%); highest among the groups gnomAD compares: East Asian, 0.0089%; no homozygotes.

Submissions (2):

Ambry Genetics
Classification: Uncertain significance for Inborn genetic diseases. Last evaluated: 2023-07-11. Review status: criteria provided, single submitter. Criteria: Ambry Variant Classification Scheme 2023. Collection method: clinical testing. Allele origin: germline.

Baylor Genetics
Classification: Uncertain significance for Intellectual developmental disorder, autosomal recessive 47. Last evaluated: 2018-02-07. Review status: criteria provided, single submitter. Criteria: ACMG Guidelines, 2015. Collection method: clinical testing. Allele origin: unknown. Affected: yes.
Comment: This variant was determined to be of uncertain significance according to ACMG Guidelines, 2015 [PMID:25741868].